The following is an entry in ClinVar:

ClinVar aggregate classification (germline): Uncertain significance (1 of 4 stars; one submission).

Conditions:
LAMA2-related muscular dystrophy (LAMA2-RD). Also called: Laminin alpha 2-related dystrophy. Identifiers: MedGen C5679788, MONDO:0100228.

Allele frequency attached by ClinVar (database versions not stated): TOPMed below 0.00001; ExAC 0.00001; gnomAD exomes 0.00001.

Submission:

Labcorp Genetics (formerly Invitae), Labcorp
Classification: Uncertain significance for LAMA2-related muscular dystrophy. Last evaluated: 2022-02-24. Review status: criteria provided, single submitter. Criteria: Invitae Variant Classification Sherloc (09022015). Collection method: clinical testing. Allele origin: germline.
Comment: This sequence change replaces arginine, which is basic and polar, with histidine, which is basic and polar, at codon 249 of the LAMA2 protein (p.Arg249His). This variant is present in population databases (rs760466683, gnomAD 0.006%). This variant has not been reported in the literature in individuals affected with LAMA2-related conditions. Advanced modeling of protein sequence and biophysical properties (such as structural, functional, and spatial information, amino acid conservation, physicochemical variation, residue mobility, and thermodynamic stability) performed at Invitae indicates that this missense variant is not expected to disrupt LAMA2 protein function. In summary, the available evidence is currently insufficient to determine the role of this variant in disease. Therefore, it has been classified as a Variant of Uncertain Significance.

NM_000426.4(LAMA2):c.746G>A (p.Arg249His)

Gene: LAMA2 (laminin subunit alpha 2; plus strand). Cytogenetic location: 6q22.33.
Variant type: single nucleotide variant.
Coding change: c.746G>A on transcript NM_000426.4 (MANE Select); coding-DNA position 746, G replaced by A.
Protein change: p.Arg249His; replaces arginine 249 with histidine.
Molecular consequence: missense variant.
Genome position (GRCh38, 1-based): chr6:129,144,007, G>A. VCF-style: chr6-129144007-G-A. GRCh37 (hg19) VCF-style: chr6-129465152-G-A.
Other names: c.746G>A, p.Arg249His (NM_001079823.2); short protein forms R249H.
Identifiers: ClinVar variation 1401354 (VCV001401354.5), dbSNP rs760466683, ClinGen allele CA3992417.